The following is an entry in ClinVar:

NM_020778.5(ALPK3):c.-84G>A

Gene: ALPK3 (alpha kinase 3; plus strand). Cytogenetic location: 15q25.3.
Variant type: single nucleotide variant.
Coding change: c.-84G>A on transcript NM_020778.5 (MANE Select); 84 bases upstream of the start codon, G replaced by A.
Molecular consequence: 5 prime UTR variant.
Genome position (GRCh38, 1-based): chr15:84,817,369, G>A. VCF-style: chr15-84817369-G-A. GRCh37 (hg19) VCF-style: chr15-85360600-G-A.
Identifiers: ClinVar variation 3291357 (VCV003291357.3).

ClinVar aggregate classification (germline): Uncertain significance. Review status: criteria provided, multiple submitters, no conflicts (2 of 4 stars). 2 submissions from 2 submitters: Uncertain significance (2). Last evaluated 2024-09-23.

Conditions:
Cardiovascular phenotype. Identifiers: MedGen CN230736.

Submissions (2):

Labcorp Genetics (formerly Invitae), Labcorp
Classification: Uncertain significance. Last evaluated: 2024-09-23. Review status: criteria provided, single submitter. Criteria: Invitae Variant Classification Sherloc (09022015). Collection method: clinical testing. Allele origin: germline.
Comment: This sequence change replaces alanine, which is neutral and non-polar, with threonine, which is neutral and polar, at codon 175 of the ALPK3 protein (p.Ala175Thr). This variant is not present in population databases (gnomAD no frequency). This variant has not been reported in the literature in individuals affected with ALPK3-related conditions. An algorithm developed to predict the effect of missense changes on protein structure and function (PolyPhen-2) suggests that this variant is likely to be tolerated. In summary, the available evidence is currently insufficient to determine the role of this variant in disease. Therefore, it has been classified as a Variant of Uncertain Significance.

Ambry Genetics
Classification: Uncertain significance for Cardiovascular phenotype. Last evaluated: 2024-03-29. Review status: criteria provided, single submitter. Criteria: Ambry Variant Classification Scheme 2023. Collection method: clinical testing. Allele origin: germline.
Comment: The p.A175T variant (also known as c.523G>A), located in coding exon 1 of the ALPK3 gene, results from a G to A substitution at nucleotide position 523. The alanine at codon 175 is replaced by threonine, an amino acid with similar properties. This amino acid position is conserved. In addition, this alteration is predicted to be tolerated by in silico analysis. Based on the available evidence, the clinical significance of this alteration remains unclear.